The following is an entry in ClinVar:

NM_000018.4(ACADVL):c.623-8C>T

Gene: ACADVL (acyl-CoA dehydrogenase very long chain; plus strand). Cytogenetic location: 17p13.1.
Variant type: single nucleotide variant.
Coding change: c.623-8C>T on transcript NM_000018.4 (MANE Select); 8 bases into the intron before coding-DNA position 623, C replaced by T.
Molecular consequence: intron variant.
Genome position (GRCh38, 1-based): chr17:7,221,944, C>T. VCF-style: chr17-7221944-C-T. GRCh37 (hg19) VCF-style: chr17-7125263-C-T.
Other names: p.?; c.692-8C>T (NM_001270447.2); c.395-8C>T (NM_001270448.2); c.557-8C>T (NM_001033859.3).
Identifiers: ClinVar variation 166642 (VCV000166642.37), dbSNP rs144996066, ClinGen allele CA179708.

ClinVar aggregate classification (germline): Benign. Review status: reviewed by expert panel (3 of 4 stars). 11 submissions from 11 submitters: Benign (1). 10 of the submissions do not count toward it. Last evaluated 2022-03-08.

Conditions:
Very long chain acyl-CoA dehydrogenase deficiency (ACADVLD). Also called: VLCAD Deficiency; Very Long-Chain Acyl-Coenzyme A Dehydrogenase Deficiency. Identifiers: Orphanet 26793, MedGen C3887523, MONDO:0008723, OMIM 201475.

Allele frequency attached by ClinVar (database versions not stated): gnomAD exomes 0.00072 and 0.00202; ExAC 0.00255; 1000 Genomes Project 0.00619; 1000 Genomes Project 30x 0.00687; gnomAD 0.00846 and 0.00919; TOPMed 0.00937; ESP Exome Variant Server 0.01038.
gnomAD v4.1: 2,387 of 1,614,004 alleles (0.15%); highest among the groups gnomAD compares: African/African-American, 2.8%; 43 homozygotes.

Submissions (11):

ClinGen ACADVL Variant Curation Expert Panel, ClinGen
Classification: Benign for Very long chain acyl-CoA dehydrogenase deficiency. Last evaluated: 2022-03-08. Review status: reviewed by expert panel. Criteria: clingen acadvl acmg specifications v1. Collection method: curation. Allele origin: germline. Inheritance: Autosomal recessive inheritance.
Comment: The c.623-8C>T variant in ACADVL is an intronic variant which occurs in the polypyrimidine tract of intron 7. The highest population minor allele frequency in gnomAD v2.1.1 is 0.0289 in the African/African American population, which is higher than the ClinGen ACADVL Variant Curation Expert Panel threshold (≥0.007) for BA1, and therefore meets this criterion (BA1). The results from 2 in silico splicing predictors (SpliceAI, NNSplice) support that this variant does not affect splicing (BP4). In summary, this variant meets the criteria to be classified as benign for autosomal recessive very long chain acyl-CoA dehydrogenase (VLCAD) deficiency based on the ACMG/AMP criteria applied, as specified by the ClinGen ACADVL Variant Curation Expert Panel: BA1, BP4 (VCEP specifications v2.0, approved on 09/16/2021).

Labcorp Genetics (formerly Invitae), Labcorp
Classification: Benign for Very long chain acyl-CoA dehydrogenase deficiency. Last evaluated: 2026-02-04. Review status: criteria provided, single submitter. Criteria: Invitae Variant Classification Sherloc (09022015). Collection method: clinical testing. Allele origin: germline. Not counted in ClinVar's aggregate classification.

ARUP Laboratories, Molecular Genetics and Genomics, ARUP Laboratories
Classification: Benign for Very long chain acyl-CoA dehydrogenase deficiency. Last evaluated: 2024-12-23. Review status: criteria provided, single submitter. Criteria: ARUP Molecular Germline Variant Investigation Process 2024. Collection method: clinical testing. Allele origin: germline. Not counted in ClinVar's aggregate classification.

Mayo Clinic Laboratories, Mayo Clinic
Classification: Benign. Last evaluated: 2023-03-21. Review status: criteria provided, single submitter. Criteria: ACMG Guidelines, 2015. Collection method: clinical testing. Allele origin: germline. Observed: 23 variant alleles. Not counted in ClinVar's aggregate classification.
Comment: BA1, BP4

Fulgent Genetics
Classification: Likely benign for Very long chain acyl-CoA dehydrogenase deficiency. Last evaluated: 2021-10-08. Review status: criteria provided, single submitter. Criteria: ACMG Guidelines, 2015. Collection method: clinical testing. Allele origin: unknown. Not counted in ClinVar's aggregate classification.

Women's Health and Genetics/Laboratory Corporation of America, LabCorp
Classification: Benign. Last evaluated: 2019-11-05. Review status: criteria provided, single submitter. Criteria: LabCorp Variant Classification Summary - May 2015. Collection method: clinical testing. Allele origin: germline. Not counted in ClinVar's aggregate classification.
Comment: Variant summary: ACADVL c.623-8C>T alters a non-conserved nucleotide located close to a canonical splice site and therefore could affect mRNA splicing, leading to a significantly altered protein sequence. 5/5 computational tools predict no significant impact on normal splicing. However, these predictions have yet to be confirmed by functional studies. The variant allele was found at a frequency of 0.0028 in 282452 control chromosomes, predominantly at a frequency of 0.029 within the African or African-American subpopulation in the gnomAD database, including 14 homozygotes. The observed variant frequency within African or African-American control individuals in the gnomAD database is approximately 10 fold of the estimated maximal expected allele frequency for a pathogenic variant in ACADVL causing Very Long Chain Acyl-CoA Dehydrogenase Deficiency phenotype (0.0029), strongly suggesting that the variant is a benign polymorphism found primarily in populations of African or African-American origin. To our knowledge, no occurrence of c.623-8C>T in individuals affected with Very Long Chain Acyl-CoA Dehydrogenase Deficiency and no experimental evidence demonstrating its impact on protein function have been reported. Four clinical diagnostic laboratories have submitted clinical-significance assessments for this variant to ClinVar after 2014 without evidence for independent evaluation (3 classifying the variant as benign, while 1 reporting it as a VUS). Based on the evidence outlined above, the variant was classified as benign.

Wong Mito Lab, Molecular and Human Genetics, Baylor College of Medicine
Classification: Benign for Very long chain acyl-CoA dehydrogenase deficiency. Last evaluated: 2019-11-01. Review status: criteria provided, single submitter. Criteria: ACMG Guidelines, 2015. Collection method: clinical testing. Allele origin: germline. Not counted in ClinVar's aggregate classification.
Comment: The NM_000018.3:c.623-8C>T (NP_000009.1:p.?) [GRCH38: NC_000017.11:g.7221944C>T] variant in ACADVL gene is interpretated to be Benign based on ACMG guidelines (PMID: 25741868). This variant has been reported. This variant meets the following evidence codes reported in the ACMG guidelines: BS1, BS2

Illumina Laboratory Services, Illumina
Classification: Benign for Very long chain acyl-CoA dehydrogenase deficiency. Last evaluated: 2018-01-13. Review status: criteria provided, single submitter. Criteria: ICSL Variant Classification Criteria 13 December 2019. Collection method: clinical testing. Allele origin: germline. Not counted in ClinVar's aggregate classification.
Comment: This variant was observed in the ICSL laboratory as part of a predisposition screen in an ostensibly healthy population. It had not been previously curated by ICSL or reported in the Human Gene Mutation Database (HGMD: prior to June 1st, 2018), and was therefore a candidate for classification through an automated scoring system. Utilizing variant allele frequency, disease prevalence and penetrance estimates, and inheritance mode, an automated score was calculated to assess if this variant is too frequent to cause the disease. Based on the score and internal cut-off values, a variant classified as benign is not then subjected to further curation. The score for this variant resulted in a classification of benign for this disease.

GeneDx
Classification: Benign. Last evaluated: 2015-12-03. Review status: criteria provided, single submitter. Criteria: GeneDx Variant Classification (06012015). Collection method: clinical testing. Allele origin: germline. Affected: yes. Not counted in ClinVar's aggregate classification.
Comment: This variant is considered likely benign or benign based on one or more of the following criteria: it is a conservative change, it occurs at a poorly conserved position in the protein, it is predicted to be benign by multiple in silico algorithms, and/or has population frequency not consistent with disease.

Eurofins Ntd Llc (ga)
Classification: Benign. Last evaluated: 2014-02-20. Review status: criteria provided, single submitter. Criteria: EGL Classification Definitions 2015. Collection method: clinical testing. Allele origin: germline. Observed: 4 variant alleles, 4 heterozygotes. Not counted in ClinVar's aggregate classification.

Natera, Inc.
Classification: Benign for Very long chain acyl-CoA dehydrogenase deficiency. Last evaluated: 2020-09-16. Review status: no assertion criteria provided. Collection method: clinical testing. Allele origin: germline. Not counted in ClinVar's aggregate classification.